The following is an entry in ClinVar:

ClinVar aggregate classification (germline): Uncertain significance. Review status: criteria provided, multiple submitters, no conflicts (2 of 4 stars). 2 submissions from 2 submitters: Uncertain significance (2). Last evaluated 2026-02-02.

Conditions:
Combined oxidative phosphorylation defect type 27. Also called: Combined oxidative phosphorylation deficiency 27. Identifiers: Orphanet 477774, MedGen C5567608, MONDO:0014728, OMIM 616672.

Allele frequency attached by ClinVar (database versions not stated): gnomAD exomes below 0.00001; gnomAD 0.00001; TOPMed 0.00001; 1000 Genomes Project 30x 0.00016; 1000 Genomes Project 0.00020.

Submissions (2):

Labcorp Genetics (formerly Invitae), Labcorp
Classification: Uncertain significance for Combined oxidative phosphorylation defect type 27. Last evaluated: 2026-02-02. Review status: criteria provided, single submitter. Criteria: Invitae Variant Classification Sherloc (09022015). Collection method: clinical testing. Allele origin: germline.
Comment: This sequence change replaces glutamic acid, which is acidic and polar, with lysine, which is basic and polar, at codon 286 of the CARS2 protein (p.Glu286Lys). This variant is not present in population databases (gnomAD no frequency). This variant has not been reported in the literature in individuals affected with CARS2-related conditions. ClinVar contains an entry for this variant (Variation ID: 2185776). Invitae Evidence Modeling of protein sequence and biophysical properties (such as structural, functional, and spatial information, amino acid conservation, physicochemical variation, residue mobility, and thermodynamic stability) indicates that this missense variant is expected to disrupt CARS2 protein function with a positive predictive value of 80%. In summary, the available evidence is currently insufficient to determine the role of this variant in disease. Therefore, it has been classified as a Variant of Uncertain Significance.

GeneDx
Classification: Uncertain significance. Last evaluated: 2025-01-07. Review status: criteria provided, single submitter. Criteria: GeneDx Variant Classification Process June 2021. Collection method: clinical testing. Allele origin: germline.
Comment: Not observed at significant frequency in large population cohorts (gnomAD); In silico analysis supports that this missense variant has a deleterious effect on protein structure/function; Has not been previously published as pathogenic or benign to our knowledge

NM_024537.4(CARS2):c.856G>A (p.Glu286Lys)

Gene: CARS2 (cysteinyl-tRNA synthetase 2, mitochondrial; minus strand). Cytogenetic location: 13q34.
Variant type: single nucleotide variant.
Coding change: c.856G>A on transcript NM_024537.4 (MANE Select); coding-DNA position 856, G replaced by A.
Protein change: p.Glu286Lys; replaces glutamic acid 286 with lysine.
Molecular consequence: missense variant. On other transcripts: non-coding transcript variant (2).
Genome position (GRCh38, 1-based): chr13:110,667,403, C>T on the plus strand (G>A on the coding strand, the complement: CARS2 is on the minus strand). VCF-style: chr13-110667403-C-T. GRCh37 (hg19) VCF-style: chr13-111319750-C-T.
Other names: c.856G>A (NM_024537.2); c.70G>A, p.Glu24Lys (NM_001352252.2); c.856G>A, p.Glu286Lys (NM_001352253.3); short protein forms E286K, E24K.
Identifiers: ClinVar variation 2185776 (VCV002185776.4), dbSNP rs569211240, ClinGen allele CA256333451.